The following is an entry in ClinVar:

ClinVar aggregate classification (germline): Pathogenic/Likely pathogenic. Review status: criteria provided, multiple submitters, no conflicts (2 of 4 stars). 4 submissions from 4 submitters: Pathogenic (1); Likely pathogenic (2). 1 of the submissions does not count toward it. Last evaluated 2025-07-17.

Conditions:
Snijders blok-fisher syndrome. Identifiers: Orphanet 656135, MedGen C5231424, MONDO:0032830, OMIM 618604.

Submissions (4):

GeneDx
Classification: Pathogenic. Last evaluated: 2025-07-17. Review status: criteria provided, single submitter. Criteria: GeneDx Variant Classification Process June 2021. Collection method: clinical testing. Allele origin: germline. Affected: yes.
Comment: Not observed at significant frequency in large population cohorts (gnomAD); In silico analysis supports that this missense variant has a deleterious effect on protein structure/function; This variant is associated with the following publications: (PMID: 31303265, 36672771)

Institute of Human Genetics, University of Leipzig Medical Center
Classification: Likely pathogenic for Snijders blok-fisher syndrome. Last evaluated: 2022-10-28. Review status: criteria provided, single submitter. Criteria: ACMG Guidelines, 2015. Collection method: clinical testing. Allele origin: unknown. Inheritance: Autosomal dominant inheritance. Affected: yes.
Comment: Criteria applied: PS2_MOD,PS4_MOD,PM1,PM2_SUP,PM5_SUP,PP3

3billion
Classification: Likely pathogenic for Snijders blok-fisher syndrome. Last evaluated: 2021-10-02. Review status: criteria provided, single submitter. Criteria: ACMG Guidelines, 2015. Collection method: clinical testing. Allele origin: germline. Affected: yes. Observed: 1 heterozygote.
Comment: The variant was observed as assumed (i.e. paternity and maternity not confirmed) de novoo (3billion dataset, PM6). It is not observed in the gnomAD v2.1.1 dataset (PM2). In silico tool predictions suggest damaging effect of the variant on gene or gene product (REVEL: 0.967, 3Cnet: 0.896, PP3). Patient's phenotype is considered compatible with Snijders Blok-Fisher syndrome (3billion dataset, PP4). Therefore, this variant is classified as likely pathogenic according to the recommendation of ACMG/AMP guideline.

OMIM
Classification: Pathogenic for SNIJDERS BLOK-FISHER SYNDROME. Last evaluated: 2019-10-03. Review status: no assertion criteria provided. Collection method: literature only. Allele origin: germline. Not counted in ClinVar's aggregate classification.

Literature cited by the submitters: PubMed 31303265 (cited by OMIM).

NM_006236.3(POU3F3):c.1220G>T (p.Arg407Leu)

Gene: POU3F3 (POU class 3 homeobox 3; plus strand). Cytogenetic location: 2q12.1.
Variant type: single nucleotide variant.
Coding change: c.1220G>T on transcript NM_006236.3 (MANE Select); coding-DNA position 1220, G replaced by T.
Protein change: p.Arg407Leu; replaces arginine 407 with leucine.
Molecular consequence: missense variant.
Genome position (GRCh38, 1-based): chr2:104,856,730, G>T. VCF-style: chr2-104856730-G-T. GRCh37 (hg19) VCF-style: chr2-105473188-G-T.
Other names: c.1220G>T (NM_006236.1); short protein forms R407L.
Identifiers: ClinVar variation 691583 (VCV000691583.9), dbSNP rs1573320988, ClinGen allele CA348098476.